The following is an entry in ClinVar:

NM_000489.6(ATRX):c.4015A>G (p.Arg1339Gly)

Gene: ATRX (ATRX chromatin remodeler; minus strand). Cytogenetic location: Xq21.1.
Variant type: single nucleotide variant.
Coding change: c.4015A>G on transcript NM_000489.6 (MANE Select); coding-DNA position 4015, A replaced by G.
Protein change: p.Arg1339Gly; replaces arginine 1339 with glycine.
Molecular consequence: missense variant.
Genome position (GRCh38, 1-based): chrX:77,663,487, T>C on the plus strand (A>G on the coding strand, the complement: ATRX is on the minus strand). VCF-style: chrX-77663487-T-C. GRCh37 (hg19) VCF-style: chrX-76918976-T-C.
Other names: c.3901A>G, p.Arg1301Gly (NM_138270.5); short protein forms R1301G, R1339G.
Identifiers: ClinVar variation 1045133 (VCV001045133.17), dbSNP rs782438788, ClinGen allele CA413699634.
Genomic context (GRCh38, chrX:77,663,487, plus strand): 5'-TTGTCTTTTTTTCTTCTCCAGATTCTCCGTCACTCACAGTCAATTTGTGCCGCAAAAGCC[T>C]ATGTCTGTATCTTGGCTTCTTAGATTCTTCAGAATCTGAATCTGATTCAGAATTGACTTG-3'
Protein context (NP_000480.3, residues 1329-1349): EESKKPRYRH[Arg1339Gly]LLRHKLTVSD

ClinVar aggregate classification (germline): Uncertain significance. Review status: criteria provided, multiple submitters, no conflicts (2 of 4 stars). 3 submissions from 3 submitters: Uncertain significance (3). Last evaluated 2026-01-19.

Conditions:
Inborn genetic diseases. Identifiers: MedGen C0950123, MeSH D030342.
Alpha thalassemia-X-linked intellectual disability syndrome (ATRX). Also called: ALPHA-THALASSEMIA/MENTAL RETARDATION SYNDROME, X-LINKED; ATR, NONDELETION TYPE; ATR-X syndrome; Alpha thalassemia mental retardation syndrome, nondeletion type, X-linked; XLMR hypotonic face syndrome; X-linked alpha-thalassemia-mental retardation syndrome. Identifiers: Orphanet 847, MedGen C1845055, MONDO:0010519, OMIM 301040.

Allele frequency attached by ClinVar (database versions not stated): gnomAD 0.00001; gnomAD exomes below 0.00001; TOPMed 0.00002.
gnomAD v4.1: 3 of 1,209,260 alleles (0.00025%); highest among the groups gnomAD compares: African/African-American, 0.0017%; no homozygotes.

Submissions (3):

Labcorp Genetics (formerly Invitae), Labcorp
Classification: Uncertain significance for Alpha thalassemia-X-linked intellectual disability syndrome. Last evaluated: 2026-01-19. Review status: criteria provided, single submitter. Criteria: Invitae Variant Classification Sherloc (09022015). Collection method: clinical testing. Allele origin: germline.
Comment: This sequence change replaces arginine, which is basic and polar, with glycine, which is neutral and non-polar, at codon 1339 of the ATRX protein (p.Arg1339Gly). This variant is not present in population databases (gnomAD no frequency). This variant has not been reported in the literature in individuals affected with ATRX-related conditions. ClinVar contains an entry for this variant (Variation ID: 1045133). Invitae Evidence Modeling of protein sequence and biophysical properties (such as structural, functional, and spatial information, amino acid conservation, physicochemical variation, residue mobility, and thermodynamic stability) indicates that this missense variant is not expected to disrupt ATRX protein function with a negative predictive value of 95%. In summary, the available evidence is currently insufficient to determine the role of this variant in disease. Therefore, it has been classified as a Variant of Uncertain Significance.

GeneDx
Classification: Uncertain significance. Last evaluated: 2025-12-05. Review status: criteria provided, single submitter. Criteria: GeneDx Variant Classification Process June 2021. Collection method: clinical testing. Allele origin: germline. Affected: yes.
Comment: Not observed at significant frequency in large population cohorts (gnomAD); In silico analysis supports that this missense variant has a deleterious effect on protein structure/function; Has not been previously published as pathogenic or benign to our knowledge

Ambry Genetics
Classification: Uncertain significance for Inborn genetic diseases. Last evaluated: 2025-02-19. Review status: criteria provided, single submitter. Criteria: Ambry Variant Classification Scheme 2023. Collection method: clinical testing. Allele origin: germline.